The following is an entry in ClinVar:

NM_000987.5(RPL26):c.313G>A (p.Val105Ile)

Gene: RPL26 (ribosomal protein L26; minus strand). Cytogenetic location: 17p13.1.
Variant type: single nucleotide variant.
Coding change: c.313G>A on transcript NM_000987.5 (MANE Select); coding-DNA position 313, G replaced by A.
Protein change: p.Val105Ile; replaces valine 105 with isoleucine.
Molecular consequence: missense variant.
Genome position (GRCh38, 1-based): chr17:8,377,689, C>T on the plus strand (G>A on the coding strand, the complement: RPL26 is on the minus strand). VCF-style: chr17-8377689-C-T. GRCh37 (hg19) VCF-style: chr17-8281007-C-T.
Other names: c.313G>A, p.Val105Ile (NM_001315530.2, NM_001315531.2); short protein forms V105I.
Identifiers: ClinVar variation 2080746 (VCV002080746.4), dbSNP rs375536189, ClinGen allele CA287569052.

ClinVar aggregate classification (germline): Uncertain significance (1 of 4 stars; one submission).

Conditions:
Diamond-Blackfan anemia. Also called: Blackfan Diamond syndrome; Aregenerative anemia chronic congenital; Red cell aplasia, pure hereditary; Congenital hypoplastic anemia; Aase syndrome. Identifiers: Orphanet 124, MedGen C1260899, MeSH D029503, MONDO:0015253, HP:0004810.

Allele frequency attached by ClinVar (database versions not stated): gnomAD 0.00001; TOPMed 0.00001; ESP Exome Variant Server 0.00008.
gnomAD v4.1: 1 of 1,602,218 alleles (0.000062%); highest among the groups gnomAD compares: African/African-American, 0.0013%; no homozygotes.

Submission:

Labcorp Genetics (formerly Invitae), Labcorp
Classification: Uncertain significance for Diamond-Blackfan anemia. Last evaluated: 2022-05-04. Review status: criteria provided, single submitter. Criteria: Invitae Variant Classification Sherloc (09022015). Collection method: clinical testing. Allele origin: germline.
Comment: In summary, the available evidence is currently insufficient to determine the role of this variant in disease. Therefore, it has been classified as a Variant of Uncertain Significance. Algorithms developed to predict the effect of missense changes on protein structure and function (SIFT, PolyPhen-2, Align-GVGD) all suggest that this variant is likely to be tolerated. This variant has not been reported in the literature in individuals affected with RPL26-related conditions. This variant is not present in population databases (gnomAD no frequency). This sequence change replaces valine, which is neutral and non-polar, with isoleucine, which is neutral and non-polar, at codon 105 of the RPL26 protein (p.Val105Ile).